The following is an entry in ClinVar:

ClinVar aggregate classification (germline): Pathogenic/Likely pathogenic. Review status: criteria provided, multiple submitters, no conflicts (2 of 4 stars). 6 submissions from 6 submitters: Pathogenic (3); Likely pathogenic (2). 1 of the submissions does not count toward it. Last evaluated 2025-09-28.

Conditions:
HEXA-related disorders.
Gm2-gangliosidosis, subacute.
Tay-Sachs disease (TSD). Also called: GM2 gangliosidosis, type 1; Hexosaminidase alpha-subunit deficiency (variant B); Sphingolipidosis, Tay-Sachs; HEXA DEFICIENCY; Hexosaminidase A Deficiency; HEXA Disorders. Identifiers: Orphanet 845, MedGen C0039373, MONDO:0010100, OMIM 272800.

Allele frequency attached by ClinVar (database versions not stated): gnomAD exomes below 0.00001 and 0.00001; gnomAD 0.00001; TOPMed 0.00001; ExAC 0.00002.
gnomAD v4.1: 6 of 1,614,016 alleles (0.00037%); highest among the groups gnomAD compares: Non-Finnish European, 0.00051%; no homozygotes.

Submissions (6):

Labcorp Genetics (formerly Invitae), Labcorp
Classification: Pathogenic for Tay-Sachs disease. Last evaluated: 2025-09-28. Review status: criteria provided, single submitter. Criteria: Invitae Variant Classification Sherloc (09022015). Collection method: clinical testing. Allele origin: germline.
Comment: This sequence change replaces tryptophan, which is neutral and slightly polar, with cysteine, which is neutral and slightly polar, at codon 474 of the HEXA protein (p.Trp474Cys). This variant is present in population databases (rs121907981, gnomAD 0.003%). This missense change has been observed in individual(s) with Tay-Sachs disease (PMID: 9603435). In at least one individual the data is consistent with being in trans (on the opposite chromosome) from a pathogenic variant. It has also been observed to segregate with disease in related individuals. ClinVar contains an entry for this variant (Variation ID: 3941). An algorithm developed to predict the effect of missense changes on protein structure and function (PolyPhen-2) suggests that this variant is likely to be disruptive. Experimental studies have shown that this missense change affects HEXA function (PMID: 9603435). For these reasons, this variant has been classified as Pathogenic.

Natera, Inc.
Classification: Likely pathogenic for Tay-Sachs disease. Last evaluated: 2025-09-12. Review status: criteria provided, single submitter. Criteria: Natera Variant Classification Schema (03/2026). Collection method: clinical testing. Allele origin: germline.
Comment: The c.1422G>C variant in HEXA is a missense variant predicted to cause substitution of tryptophan to cysteine at amino acid 474. This variant is rare in the general population with a frequency below the threshold expected for the associated phenotype(s). This variant has been observed in one or more individuals affected with the associated recessive disease, as either homozygous or compound heterozygous with a second variant (PMID: 15714079). Additionally, this variant has been observed to segregate in affected family members (PMID: 15714079). Functional studies show that this variant may disrupt protein function (PMID: 9603435). Computational prediction algorithms indicate this variant is likely to affect gene or protein function. Given the available evidence, this variant is classified as Likely Pathogenic.

Women's Health and Genetics/Laboratory Corporation of America, LabCorp
Classification: Pathogenic for Tay-Sachs disease. Last evaluated: 2021-11-28. Review status: criteria provided, single submitter. Criteria: LabCorp Variant Classification Summary - May 2015. Collection method: clinical testing. Allele origin: germline.
Comment: Variant summary: HEXA c.1422G>C (p.Trp474Cys) results in a non-conservative amino acid change located in the Glycoside hydrolase family 20, catalytic domain (IPR015883) of the encoded protein sequence. Five of five in-silico tools predict a damaging effect of the variant on protein function. The variant allele was found at a frequency of 1.2e-05 in 251254 control chromosomes. c.1422G>C has been reported in the literature as a compound heterozygous genotype in at-least two affected sibling individuals with Tay-Sachs Disease who have been subsequently cited by others and included in clinical trials (example, Petroulakis_1998, Neudorfer_2005, Clarke_2011). These data indicate that the variant is likely to be associated with disease. At least one publication reports variant specific experimental evidence evaluating an impact on protein function (Petroulakis_1998). The most pronounced variant effect results in <10% of normal enzyme activity measured as expressed levels of alpha-subunit activity in COS-7 cells. One clinical diagnostic laboratory has submitted clinical-significance assessments for this variant to ClinVar after 2014 and classified the variant as pathogenic. Based on the evidence outlined above, the variant was classified as pathogenic.

Blueprint Genetics
Classification: Pathogenic for HEXA-related disorders. Last evaluated: 2019-12-30. Review status: criteria provided, single submitter. Criteria: ACMG Guidelines, 2015. Collection method: clinical testing. Allele origin: germline. Affected: yes. Observed: 4 variant alleles.

Revvity Omics, Revvity
Classification: Likely pathogenic for Tay-Sachs disease. Last evaluated: 2019-12-11. Review status: criteria provided, single submitter. Criteria: ACMG Guidelines, 2015. Collection method: clinical testing. Allele origin: germline.

OMIM
Classification: Pathogenic for GM2-GANGLIOSIDOSIS, SUBACUTE. Last evaluated: 1998-01-01. Review status: no assertion criteria provided. Collection method: literature only. Allele origin: germline. Not counted in ClinVar's aggregate classification.

Literature cited by the submitters: PubMed 9603435 (cited by 4 submitters); PubMed 15714079 (cited by Natera, Inc. and Women's Health and Genetics/Laboratory Corporation of America, LabCorp); PubMed 20926324 (cited by Women's Health and Genetics/Laboratory Corporation of America, LabCorp).

NM_000520.6(HEXA):c.1422G>C (p.Trp474Cys)

Gene: HEXA (hexosaminidase subunit alpha; minus strand). Cytogenetic location: 15q23.
Variant type: single nucleotide variant.
Coding change: c.1422G>C on transcript NM_000520.6 (MANE Select); coding-DNA position 1422, G replaced by C.
Protein change: p.Trp474Cys; replaces tryptophan 474 with cysteine.
Molecular consequence: missense variant. On other transcripts: non-coding transcript variant (1).
Genome position (GRCh38, 1-based): chr15:72,345,550, C>G on the plus strand (G>C on the coding strand, the complement: HEXA is on the minus strand). VCF-style: chr15-72345550-C-G. GRCh37 (hg19) VCF-style: chr15-72637891-C-G.
Other names: c.1455G>C, p.Trp485Cys (NM_001318825.2); short protein forms W474C, W485C.
Identifiers: ClinVar variation 3941 (VCV000003941.15), dbSNP rs121907981, ClinGen allele CA116514.